The following is an entry in ClinVar:

NM_001282933.2(ZNF341):c.1525G>A (p.Gly509Ser)

Gene: ZNF341 (zinc finger protein 341; plus strand). Cytogenetic location: 20q11.22.
Variant type: single nucleotide variant.
Coding change: c.1525G>A on transcript NM_001282933.2 (MANE Select); coding-DNA position 1525, G replaced by A.
Protein change: p.Gly509Ser; replaces glycine 509 with serine.
Molecular consequence: missense variant. On other transcripts: non-coding transcript variant (1).
Genome position (GRCh38, 1-based): chr20:33,770,195, G>A. VCF-style: chr20-33770195-G-A. GRCh37 (hg19) VCF-style: chr20-32358001-G-A.
Other names: c.1255G>A, p.Gly419Ser (NM_001282935.2); c.1504G>A, p.Gly502Ser (NM_032819.5); c.1504G>A (NM_032819.3); short protein forms G419S, G502S, G509S.
Identifiers: ClinVar variation 1408338 (VCV001408338.7), dbSNP rs774044758, ClinGen allele CA9819467.
Genomic context (GRCh38, chr20:33,770,195, plus strand): 5'-ACATTTCTGGAGCACATCAAGAGCCACCAGGAGGAGCTGAGCTACCGCTGCCACCTCTGC[G>A]GCAAGGACTTCCCCTCGCTGTACGACCTGGGCGTGCACCAGTACTCCCACAGCCTCCTGC-3'
Protein context (NP_001269862.1, residues 499-519): EELSYRCHLC[Gly509Ser]KDFPSLYDLG

ClinVar aggregate classification (germline): Conflicting classifications of pathogenicity. Review status: criteria provided, conflicting classifications (1 of 4 stars). 2 submissions from 2 submitters: Uncertain significance (1); Likely benign (1). Last evaluated 2023-11-12.

Allele frequency attached by ClinVar (database versions not stated): gnomAD 0.00001; TOPMed 0.00001; ExAC 0.00002; gnomAD exomes 0.00002.

Submissions (2):

Labcorp Genetics (formerly Invitae), Labcorp
Classification: Uncertain significance. Last evaluated: 2023-11-12. Review status: criteria provided, single submitter. Criteria: Invitae Variant Classification Sherloc (09022015). Collection method: clinical testing. Allele origin: germline.
Comment: This sequence change replaces glycine, which is neutral and non-polar, with serine, which is neutral and polar, at codon 502 of the ZNF341 protein (p.Gly502Ser). This variant is present in population databases (rs774044758, gnomAD 0.005%). This variant has not been reported in the literature in individuals affected with ZNF341-related conditions. ClinVar contains an entry for this variant (Variation ID: 1408338). Algorithms developed to predict the effect of missense changes on protein structure and function output the following: SIFT: "Not Available"; PolyPhen-2: "Benign"; Align-GVGD: "Not Available". The serine amino acid residue is found in multiple mammalian species, which suggests that this missense change does not adversely affect protein function. In summary, the available evidence is currently insufficient to determine the role of this variant in disease. Therefore, it has been classified as a Variant of Uncertain Significance.

Ambry Genetics
Classification: Likely benign. Last evaluated: 2023-02-08. Review status: criteria provided, single submitter. Criteria: Ambry Variant Classification Scheme 2023. Collection method: clinical testing. Allele origin: germline.